The following is an entry in ClinVar:

NM_000553.6(WRN):c.2132G>A (p.Arg711Gln)

Gene: WRN (WRN RecQ like helicase; plus strand). Cytogenetic location: 8p12.
Variant type: single nucleotide variant.
Coding change: c.2132G>A on transcript NM_000553.6 (MANE Select); coding-DNA position 2132, G replaced by A.
Protein change: p.Arg711Gln; replaces arginine 711 with glutamine.
Molecular consequence: missense variant.
Genome position (GRCh38, 1-based): chr8:31,111,658, G>A. VCF-style: chr8-31111658-G-A. GRCh37 (hg19) VCF-style: chr8-30969174-G-A.
Other names: short protein forms R711Q.
Identifiers: ClinVar variation 853944 (VCV000853944.7), dbSNP rs750658657, ClinGen allele CA4704656.
Genomic context (GRCh38, chr8:31,111,658, plus strand): 5'-AGTTTTACATCATTCAGGTTCCAATCGTTGCACTTACTGCTACTGCAAGTTCTTCAATCC[G>A]GGAAGACATTGTACGTTGCTTAAATCTGAGAAATCCTCAGATCACCTGTACTGGTTTTGA-3'
Protein context (NP_000544.2, residues 701-721): ALTATASSSI[Arg711Gln]EDIVRCLNLR

ClinVar aggregate classification (germline): Uncertain significance. Review status: criteria provided, multiple submitters, no conflicts (2 of 4 stars). 3 submissions from 3 submitters: Uncertain significance (3). Last evaluated 2026-06-23.

Conditions:
Inborn genetic diseases. Identifiers: MedGen C0950123, MeSH D030342.
Werner syndrome (WRN). Identifiers: Orphanet 902, MedGen C0043119, MONDO:0010196, OMIM 277700.

Allele frequency attached by ClinVar (database versions not stated): gnomAD 0.00003; TOPMed 0.00002.
gnomAD v4.1: 50 of 1,613,822 alleles (0.0031%); highest among the groups gnomAD compares: Admixed American, 0.017%; no homozygotes.

Submissions (3):

Hema, HEMA – Genetic and Molecular Diagnostic Laboratory
Classification: Uncertain significance for Werner syndrome. Last evaluated: 2026-06-23. Review status: criteria provided, single submitter. Criteria: HEMA Variant Classification Assertion Criteria. Collection method: clinical testing. Allele origin: germline.
Comment: The c.2132G>A p.(Arg711Gln) variant is a transition from guanine to adenine, resulting in the substitution of arginine 711 with glutamine in the WRN protein. PM2_Supporting: Present at very low frequency in the gnomAD v4.1.1 database. BP4_Moderate: The computational metapredictor REVEL score = 0.11 ≤ 0.183, indicating that the variant would not have an effect on the WRN protein.

Labcorp Genetics (formerly Invitae), Labcorp
Classification: Uncertain significance for Werner syndrome. Last evaluated: 2024-12-23. Review status: criteria provided, single submitter. Criteria: Invitae Variant Classification Sherloc (09022015). Collection method: clinical testing. Allele origin: germline.
Comment: This sequence change replaces arginine, which is basic and polar, with glutamine, which is neutral and polar, at codon 711 of the WRN protein (p.Arg711Gln). This variant is present in population databases (rs750658657, gnomAD 0.02%). This variant has not been reported in the literature in individuals affected with WRN-related conditions. ClinVar contains an entry for this variant (Variation ID: 853944). An algorithm developed to predict the effect of missense changes on protein structure and function outputs the following: PolyPhen-2: "Benign". The glutamine amino acid residue is found in multiple mammalian species, which suggests that this missense change does not adversely affect protein function. RNA analysis performed to evaluate the impact of this missense change on mRNA splicing indicates it does not significantly alter splicing (internal data). In summary, the available evidence is currently insufficient to determine the role of this variant in disease. Therefore, it has been classified as a Variant of Uncertain Significance.

Ambry Genetics
Classification: Uncertain significance for Inborn genetic diseases. Last evaluated: 2024-11-14. Review status: criteria provided, single submitter. Criteria: Ambry Variant Classification Scheme 2023. Collection method: clinical testing. Allele origin: germline.